The following is an entry in ClinVar:

NM_000215.4(JAK3):c.1019C>A (p.Ser340Ter)

Gene: JAK3 (Janus kinase 3; minus strand). Cytogenetic location: 19p13.11.
Variant type: single nucleotide variant.
Coding change: c.1019C>A on transcript NM_000215.4 (MANE Select); coding-DNA position 1019, C replaced by A.
Protein change: p.Ser340Ter; replaces serine 340 with a stop codon.
Molecular consequence: nonsense.
Genome position (GRCh38, 1-based): chr19:17,841,512, G>T on the plus strand (C>A on the coding strand, the complement: JAK3 is on the minus strand). VCF-style: chr19-17841512-G-T. GRCh37 (hg19) VCF-style: chr19-17952321-G-T.
Other names: short protein forms S340*.
Identifiers: ClinVar variation 916166 (VCV000916166.43), dbSNP rs2094238720, ClinGen allele CA404771624.

ClinVar aggregate classification (germline): Pathogenic. Review status: criteria provided, multiple submitters, no conflicts (2 of 4 stars). 2 submissions from 2 submitters: Pathogenic (2). Last evaluated 2025-05-01.

Conditions:
T-B+ severe combined immunodeficiency due to JAK3 deficiency. Also called: SCID, T CELL-NEGATIVE, B CELL-POSITIVE, NK CELL-NEGATIVE; SCID, autosomal recessive, T-negative/B-positive type. Identifiers: Orphanet 35078, MedGen C1833275, MONDO:0010938, OMIM 600802.

Submissions (2):

CeGaT Center for Human Genetics Tuebingen
Classification: Pathogenic. Last evaluated: 2025-05-01. Review status: criteria provided, single submitter. Criteria: CeGaT Center For Human Genetics Tuebingen Variant Classification Criteria Version 2. Collection method: clinical testing. Allele origin: germline. Affected: yes. Observed: 3 variant alleles.
Comment: JAK3: PVS1, PM2, PM3, PP4

Labcorp Genetics (formerly Invitae), Labcorp
Classification: Pathogenic for T-B+ severe combined immunodeficiency due to JAK3 deficiency. Last evaluated: 2023-11-14. Review status: criteria provided, single submitter. Criteria: Invitae Variant Classification Sherloc (09022015). Collection method: clinical testing. Allele origin: germline.
Comment: This sequence change creates a premature translational stop signal (p.Ser340*) in the JAK3 gene. It is expected to result in an absent or disrupted protein product. Loss-of-function variants in JAK3 are known to be pathogenic (PMID: 7481768, 11668621). This variant is not present in population databases (gnomAD no frequency). This premature translational stop signal has been observed in individual(s) with JAK3-related conditions (PMID: 30697212). ClinVar contains an entry for this variant (Variation ID: 916166). For these reasons, this variant has been classified as Pathogenic.

Literature cited by the submitters: PubMed 7481768 (cited by Labcorp Genetics (formerly Invitae), Labcorp); PubMed 11668621 (cited by Labcorp Genetics (formerly Invitae), Labcorp); PubMed 30697212 (cited by Labcorp Genetics (formerly Invitae), Labcorp).